The following is an entry in ClinVar:

NM_018086.4(FIGN):c.795G>A (p.Gly265=)

Gene: FIGN (fidgetin, microtubule severing factor; minus strand). Cytogenetic location: 2q24.3.
Variant type: single nucleotide variant.
Coding change: c.795G>A on transcript NM_018086.4 (MANE Select); coding-DNA position 795, G replaced by A.
Protein change: p.Gly265=; no amino-acid change (glycine 265 retained).
Molecular consequence: synonymous variant.
Genome position (GRCh38, 1-based): chr2:163,611,037, C>T on the plus strand (G>A on the coding strand, the complement: FIGN is on the minus strand). VCF-style: chr2-163611037-C-T. GRCh37 (hg19) VCF-style: chr2-164467547-C-T.
Other names: c.762G>A, p.Gly254= (NM_001321825.2).
Identifiers: ClinVar variation 2651473 (VCV002651473.24), dbSNP rs756271439, ClinGen allele CA1936319.
Genomic context (GRCh38, chr2:163,611,037, plus strand): 5'-TAGGGGGGTGGGAGCAGGAATTCCTGAAGGCAGGTACGCTGAAGGCGGAGGCGGTGCCCC[C>T]CCAGGGCTGTACCCAGACCCCACAGCAGTCTGAGGAGGATAGCTAGCAGACGGATAGCTG-3'
Protein context (NP_060556.2, residues 255-275): QTAVGSGYSP[Gly265=]GAPPPPSAYL

ClinVar aggregate classification (germline): Likely benign (1 of 4 stars; one submission).

Allele frequency attached by ClinVar (database versions not stated): TOPMed below 0.00001.
gnomAD v4.1: 8 of 1,613,882 alleles (0.0005%); highest among the groups gnomAD compares: Middle Eastern, 0.016%; no homozygotes.

Submission:

CeGaT Center for Human Genetics Tuebingen
Classification: Likely benign. Last evaluated: 2022-08-01. Review status: criteria provided, single submitter. Criteria: CeGaT Center For Human Genetics Tuebingen Variant Classification Criteria Version 2. Collection method: clinical testing. Allele origin: germline. Affected: yes. Observed: 1 variant allele.
Comment: FIGN: BP4, BP7